The following is an entry in ClinVar:

NM_030773.4(TUBB1):c.1188C>A (p.His396Gln)

Gene: TUBB1 (tubulin beta 1 class VI; plus strand). Cytogenetic location: 20q13.32.
Variant type: single nucleotide variant.
Coding change: c.1188C>A on transcript NM_030773.4 (MANE Select); coding-DNA position 1188, C replaced by A.
Protein change: p.His396Gln; replaces histidine 396 with glutamine.
Molecular consequence: missense variant.
Genome position (GRCh38, 1-based): chr20:59,024,615, C>A. VCF-style: chr20-59024615-C-A. GRCh37 (hg19) VCF-style: chr20-57599670-C-A.
Other names: short protein forms H396Q.
Identifiers: ClinVar variation 3677647 (VCV003677647.2).

ClinVar aggregate classification (germline): Uncertain significance (1 of 4 stars; one submission).

gnomAD v4.1: 2 of 1,614,166 alleles (0.00012%); highest among the groups gnomAD compares: Admixed American, 0.0017%; no homozygotes.

Submission:

Labcorp Genetics (formerly Invitae), Labcorp
Classification: Uncertain significance. Last evaluated: 2025-06-08. Review status: criteria provided, single submitter. Criteria: Invitae Variant Classification Sherloc (09022015). Collection method: clinical testing. Allele origin: germline.
Comment: This sequence change replaces histidine, which is basic and polar, with glutamine, which is neutral and polar, at codon 396 of the TUBB1 protein (p.His396Gln). This variant is present in population databases (rs752027060, gnomAD 0.003%). This variant has not been reported in the literature in individuals affected with TUBB1-related conditions. ClinVar contains an entry for this variant (Variation ID: 3677647). Invitae Evidence Modeling of protein sequence and biophysical properties (such as structural, functional, and spatial information, amino acid conservation, physicochemical variation, residue mobility, and thermodynamic stability) indicates that this missense variant is expected to disrupt TUBB1 protein function with a positive predictive value of 80%. In summary, the available evidence is currently insufficient to determine the role of this variant in disease. Therefore, it has been classified as a Variant of Uncertain Significance.